The following is an entry in ClinVar:

ClinVar aggregate classification (germline): Uncertain significance (1 of 4 stars; one submission).

Conditions:
Fanconi anemia (FA). Also called: Fanconi's anemia. Identifiers: Orphanet 84, MedGen C0015625, MeSH D005199, MONDO:0019391.

Allele frequency attached by ClinVar (database versions not stated): gnomAD 0.00001.
gnomAD v4.1: 19 of 576,734 alleles (0.0033%); highest among the groups gnomAD compares: East Asian, 0.0096%; no homozygotes.

Submission:

Labcorp Genetics (formerly Invitae), Labcorp
Classification: Uncertain significance for Fanconi anemia. Last evaluated: 2022-05-19. Review status: criteria provided, single submitter. Criteria: Invitae Variant Classification Sherloc (09022015). Collection method: clinical testing. Allele origin: germline.
Comment: This sequence change replaces proline, which is neutral and non-polar, with threonine, which is neutral and polar, at codon 386 of the FANCG protein (p.Pro386Thr). The frequency data for this variant in the population databases is considered unreliable, as metrics indicate poor data quality at this position in the gnomAD database. This variant has not been reported in the literature in individuals affected with FANCG-related conditions. Algorithms developed to predict the effect of missense changes on protein structure and function output the following: SIFT: "Tolerated"; PolyPhen-2: "Benign"; Align-GVGD: "Class C0". The threonine amino acid residue is found in multiple mammalian species, which suggests that this missense change does not adversely affect protein function. In summary, the available evidence is currently insufficient to determine the role of this variant in disease. Therefore, it has been classified as a Variant of Uncertain Significance.

NM_004629.2(FANCG):c.1156C>A (p.Pro386Thr)

Gene: FANCG (FA complementation group G; minus strand). Cytogenetic location: 9p13.3.
Variant type: single nucleotide variant.
Coding change: c.1156C>A on transcript NM_004629.2 (MANE Select); coding-DNA position 1156, C replaced by A.
Protein change: p.Pro386Thr; replaces proline 386 with threonine.
Molecular consequence: missense variant.
Genome position (GRCh38, 1-based): chr9:35,075,742, G>T on the plus strand (C>A on the coding strand, the complement: FANCG is on the minus strand). VCF-style: chr9-35075742-G-T. GRCh37 (hg19) VCF-style: chr9-35075739-G-T.
Other names: short protein forms P386T.
Identifiers: ClinVar variation 2160345 (VCV002160345.1), dbSNP rs375757497, ClinGen allele CA5039809.